The following is an entry in ClinVar:

ClinVar aggregate classification (germline): Uncertain significance. Review status: criteria provided, multiple submitters, no conflicts (2 of 4 stars). 2 submissions from 2 submitters: Uncertain significance (2). Last evaluated 2025-11-01.

gnomAD v4.1: 5 of 1,611,724 alleles (0.00031%); highest among the groups gnomAD compares: Middle Eastern, 0.033%; no homozygotes.

Submissions (2):

CeGaT Center for Human Genetics Tuebingen
Classification: Uncertain significance. Last evaluated: 2025-11-01. Review status: criteria provided, single submitter. Criteria: CeGaT Center For Human Genetics Tuebingen Variant Classification Criteria Version 2. Collection method: clinical testing. Allele origin: germline. Affected: yes. Observed: 1 variant allele.
Comment: DNAH1: PM2, PP3

Blueprint Genetics
Classification: Uncertain significance. Last evaluated: 2024-01-03. Review status: criteria provided, single submitter. Criteria: ACMG Guidelines, 2015. Collection method: clinical testing. Allele origin: germline.

NM_015512.5(DNAH1):c.7198+5G>C

Gene: DNAH1 (dynein axonemal heavy chain 1; plus strand). Cytogenetic location: 3p21.1.
Variant type: single nucleotide variant.
Coding change: c.7198+5G>C on transcript NM_015512.5 (MANE Select); 5 bases into the intron after coding-DNA position 7198, G replaced by C.
Molecular consequence: intron variant.
Genome position (GRCh38, 1-based): chr3:52,375,998, G>C. VCF-style: chr3-52375998-G-C. GRCh37 (hg19) VCF-style: chr3-52410014-G-C.
Identifiers: ClinVar variation 4534087 (VCV004534087.7).